The following is an entry in ClinVar:

ClinVar aggregate classification (germline): Uncertain significance (1 of 4 stars; one submission).

Conditions:
Inborn genetic diseases. Identifiers: MedGen C0950123, MeSH D030342.

Submission:

Ambry Genetics
Classification: Uncertain significance for Inborn genetic diseases. Last evaluated: 2026-07-13. Review status: criteria provided, single submitter. Criteria: Ambry Variant Classification Scheme 2023. Collection method: clinical testing. Allele origin: germline.
Comment: The c.541G>T (p.G181C) alteration is located in exon 4 (coding exon 4) of the RIPK1 gene. This alteration results from a G to T substitution at nucleotide position 541, causing the glycine (G) at amino acid position 181 to be replaced by a cysteine (C). Based on data from gnomAD, the T allele has an overall frequency of <0.001% (1/250964) total alleles studied. The highest observed frequency was 0.006% (1/16194) of African alleles. Based on insufficient or conflicting evidence, the clinical significance of this alteration remains unclear.

NM_001354930.2(RIPK1):c.541G>T (p.Gly181Cys)

Gene: RIPK1 (receptor interacting serine/threonine kinase 1; plus strand). Cytogenetic location: 6p25.2.
Variant type: single nucleotide variant.
Coding change: c.541G>T on transcript NM_001354930.2 (MANE Select); coding-DNA position 541, G replaced by T.
Protein change: p.Gly181Cys; replaces glycine 181 with cysteine.
Molecular consequence: missense variant.
Genome position (GRCh38, 1-based): chr6:3,083,166, G>T. VCF-style: chr6-3083166-G-T. GRCh37 (hg19) VCF-style: chr6-3083400-G-T.
Other names: c.52G>T, p.Gly18Cys (NM_001317061.3, NM_001354932.2, NM_001354933.2 and 1 more transcripts); c.403G>T, p.Gly135Cys (NM_001354931.2); c.541G>T, p.Gly181Cys (NM_003804.6); short protein forms G135C, G181C, G18C.
Identifiers: ClinVar variation 5028302 (VCV005028302.1).
Genomic context (GRCh38, chr6:3,083,166, plus strand): 5'-TCCTTTAAGATGTGGAGCAAACTGAATAATGAAGAGCACAATGAGCTGAGGGAAGTGGAC[G>T]GCACCGCTAAGAAGAATGGCGGCACCCTCTACTACATGGCGCCCGAGCACCTGAATGACG-3'
Protein context (NP_001341859.1, residues 171-191): EEHNELREVD[Gly181Cys]TAKKNGGTLY